The following is an entry in ClinVar:

ClinVar aggregate classification (germline): Conflicting classifications of pathogenicity. Review status: criteria provided, conflicting classifications (1 of 4 stars). 8 submissions from 8 submitters: Uncertain significance (3); Likely benign (5). Last evaluated 2026-02-01.

Conditions:
Ehlers-Danlos syndrome, classic type, 2 (EDSCL2). Also called: Ehlers-Danlos syndrome, type 2; Ehlers-Danlos syndrome type 2 (formerly); Ehlers-Danlos Syndrome, Classic Type, COL5A2-Related. Identifiers: Orphanet 287, Orphanet 90318, MedGen C0268336, MONDO:0019568, OMIM 130010.
Familial thoracic aortic aneurysm and aortic dissection (TAAD). Also called: Thoracic aortic aneurysms and dissections. Identifiers: Orphanet 91387, MedGen C4707243, MONDO:0019625.
Ehlers-Danlos syndrome (EDS). Identifiers: Orphanet 98249, MedGen C0013720, MONDO:0020066.
Ehlers-Danlos syndrome, classic type, 1 (EDSCL1). Also called: EHLERS-DANLOS SYNDROME, GRAVIS TYPE; EHLERS-DANLOS SYNDROME, SEVERE CLASSIC TYPE; Ehlers-Danlos syndrome, type 1; Ehlers-Danlos Syndrome, Classic Type, COL5A1-Related; EDS I. Identifiers: MedGen C0268335, MONDO:0019567, OMIM 130000.

Allele frequency attached by ClinVar (database versions not stated): ExAC 0.00004; gnomAD exomes 0.00007 and 0.00015; ESP Exome Variant Server 0.00008; gnomAD 0.00010; TOPMed 0.00012.
gnomAD v4.1: 231 of 1,613,932 alleles (0.014%); highest among the groups gnomAD compares: Non-Finnish European, 0.019%; no homozygotes.

Submissions (8):

Labcorp Genetics (formerly Invitae), Labcorp
Classification: Uncertain significance for Ehlers-Danlos syndrome, classic type, 1. Last evaluated: 2026-02-01. Review status: criteria provided, single submitter. Criteria: Invitae Variant Classification Sherloc (09022015). Collection method: clinical testing. Allele origin: germline.
Comment: This sequence change falls in intron 5 of the COL5A2 gene. It does not directly change the encoded amino acid sequence of the COL5A2 protein. It affects a nucleotide within the consensus splice site. This variant is present in population databases (rs369733690, gnomAD 0.01%). This variant has not been reported in the literature in individuals affected with COL5A2-related conditions. ClinVar contains an entry for this variant (Variation ID: 256003). Variants that disrupt the consensus splice site are a relatively common cause of aberrant splicing (PMID: 17576681, 9536098). Algorithms developed to predict the effect of sequence changes on RNA splicing suggest that this variant is not likely to affect RNA splicing. In summary, the available evidence is currently insufficient to determine the role of this variant in disease. Therefore, it has been classified as a Variant of Uncertain Significance.

Blueprint Genetics
Classification: Likely benign. Last evaluated: 2024-10-22. Review status: criteria provided, single submitter. Criteria: ACMG Guidelines, 2015. Collection method: clinical testing. Allele origin: germline.

Ambry Genetics
Classification: Uncertain significance for Familial thoracic aortic aneurysm and aortic dissection. Last evaluated: 2024-01-29. Review status: criteria provided, single submitter. Criteria: Ambry Variant Classification Scheme 2023. Collection method: clinical testing. Allele origin: germline.
Comment: The c.403-3T>C intronic variant results from a T to C substitution 3 nucleotides upstream from coding exon 6 in the COL5A2 gene. This nucleotide position is well conserved in available vertebrate species. In silico splice site analysis predicts that this alteration will not have any significant effect on splicing. Based on the available evidence, the clinical significance of this alteration remains unclear.

CeGaT Center for Human Genetics Tuebingen
Classification: Likely benign. Last evaluated: 2021-06-01. Review status: criteria provided, single submitter. Criteria: CeGaT Center For Human Genetics Tuebingen Variant Classification Criteria Version 2. Collection method: clinical testing. Allele origin: germline. Affected: yes. Observed: 2 variant alleles.

Genome Diagnostics Laboratory, The Hospital for Sick Children
Classification: Likely benign for Ehlers-Danlos syndrome. Last evaluated: 2020-11-17. Review status: criteria provided, single submitter. Criteria: ACMG Guidelines, 2015. Collection method: clinical testing. Allele origin: germline.

Revvity Omics, Revvity
Classification: Uncertain significance for Ehlers-Danlos syndrome, classic type, 2. Last evaluated: 2020-10-29. Review status: criteria provided, single submitter. Criteria: ACMG Guidelines, 2015. Collection method: clinical testing. Allele origin: germline.

GeneDx
Classification: Likely benign. Last evaluated: 2020-07-10. Review status: criteria provided, single submitter. Criteria: GeneDx Variant Classification Process June 2021. Collection method: clinical testing. Allele origin: germline. Affected: yes.

PreventionGenetics, part of Exact Sciences
Classification: Likely benign. Review status: criteria provided, single submitter. Criteria: ACMG Guidelines, 2015. Collection method: clinical testing. Allele origin: germline.

Literature cited by the submitters: PubMed 17576681 (cited by Labcorp Genetics (formerly Invitae), Labcorp); PubMed 9536098 (cited by Labcorp Genetics (formerly Invitae), Labcorp).

NM_000393.5(COL5A2):c.403-3T>C

Gene: COL5A2 (collagen type V alpha 2 chain; minus strand). Cytogenetic location: 2q32.2.
Variant type: single nucleotide variant.
Coding change: c.403-3T>C on transcript NM_000393.5 (MANE Select); 3 bases into the intron before coding-DNA position 403, T replaced by C.
Molecular consequence: intron variant.
Genome position (GRCh38, 1-based): chr2:189,097,333, A>G on the plus strand (T>C on the coding strand, the complement: COL5A2 is on the minus strand). VCF-style: chr2-189097333-A-G. GRCh37 (hg19) VCF-style: chr2-189962059-A-G.
Identifiers: ClinVar variation 256003 (VCV000256003.65), dbSNP rs369733690, ClinGen allele CA2023066.